The following is an entry in ClinVar:

NM_000548.5(TSC2):c.4128C>T (p.Phe1376=)

Gene: TSC2 (TSC complex subunit 2; plus strand). Cytogenetic location: 16p13.3.
Variant type: single nucleotide variant.
Coding change: c.4128C>T on transcript NM_000548.5 (MANE Select); coding-DNA position 4128, C replaced by T.
Protein change: p.Phe1376=; no amino-acid change (phenylalanine 1376 retained).
Molecular consequence: synonymous variant.
Genome position (GRCh38, 1-based): chr16:2,084,350, C>T. VCF-style: chr16-2084350-C-T. GRCh37 (hg19) VCF-style: chr16-2134351-C-T.
Other names: c.3927C>T, p.Phe1309= (NM_001077183.3); c.4059C>T, p.Phe1353= (NM_001114382.3); c.3819C>T, p.Phe1273= (NM_001318827.2); c.3783C>T, p.Phe1261= (NM_001318829.2); c.3396C>T, p.Phe1132= (NM_001318831.2); c.3960C>T, p.Phe1320= (NM_001318832.2); c.3930C>T, p.Phe1310= (NM_001363528.2); c.3996C>T, p.Phe1332= (NM_001370404.1); and 1 more.
Identifiers: ClinVar variation 413635 (VCV000413635.15), dbSNP rs1060504086, ClinGen allele CA16614747.

ClinVar aggregate classification (germline): Benign/Likely benign. Review status: criteria provided, multiple submitters, no conflicts (2 of 4 stars). 5 submissions from 5 submitters: Benign (1); Likely benign (4). Last evaluated 2026-01-22.

Conditions:
Hereditary cancer-predisposing syndrome. Also called: Tumor predisposition; Neoplastic Syndromes, Hereditary; Hereditary Cancer Syndrome; Hereditary neoplastic syndrome. Identifiers: Orphanet 140162, MedGen C0027672, MeSH D009386, MONDO:0015356.
Tuberous sclerosis syndrome (TSC). Also called: Tuberous Sclerosis Complex; Tuberous sclerosis. Identifiers: Orphanet 805, MedGen C0041341, MONDO:0001734.
Tuberous sclerosis 2 (TSC2). Identifiers: Orphanet 805, MedGen C1860707, MONDO:0013199, OMIM 613254.

Allele frequency attached by ClinVar (database versions not stated): gnomAD exomes below 0.00001.

Submissions (5):

Labcorp Genetics (formerly Invitae), Labcorp
Classification: Likely benign for Tuberous sclerosis 2. Last evaluated: 2026-01-22. Review status: criteria provided, single submitter. Criteria: Invitae Variant Classification Sherloc (09022015). Collection method: clinical testing. Allele origin: germline.

Myriad Genetics, Inc.
Classification: Benign for Tuberous sclerosis 2. Last evaluated: 2025-06-02. Review status: criteria provided, single submitter. Criteria: Myriad Autosomal Dominant, Autosomal Recessive and X-Linked Classification Criteria (2023). Collection method: clinical testing. Allele origin: unknown.
Comment: This variant is considered benign. This variant is a silent/synonymous amino acid change and it is not expected to impact splicing.

Ambry Genetics
Classification: Likely benign for Hereditary cancer-predisposing syndrome. Last evaluated: 2023-12-18. Review status: criteria provided, single submitter. Criteria: Ambry Variant Classification Scheme 2023. Collection method: clinical testing. Allele origin: germline.

All of Us Research Program, National Institutes of Health
Classification: Likely benign for Tuberous sclerosis syndrome. Last evaluated: 2023-05-16. Review status: criteria provided, single submitter. Criteria: ACMG Guidelines, 2015. Collection method: clinical testing. Allele origin: germline. Inheritance: Autosomal dominant inheritance. Observed: 1 variant allele, 1 heterozygote.
Comment: This study involves interpretation of variants in research participants for the purpose of population health screening. Participant phenotype was not available at the time of variant classification. Additional details can be found in publication PMID: 35346344, PMCID: PMC8962531

Color Diagnostics, LLC DBA Color Health
Classification: Likely benign for Tuberous sclerosis syndrome. Last evaluated: 2022-11-06. Review status: criteria provided, single submitter. Criteria: ACMG Guidelines, 2015. Collection method: clinical testing. Allele origin: germline.